The following is an entry in ClinVar:

ClinVar aggregate classification (germline): Pathogenic/Likely pathogenic. Review status: criteria provided, multiple submitters, no conflicts (2 of 4 stars). 3 submissions from 3 submitters: Pathogenic (1); Likely pathogenic (2). Last evaluated 2024-03-18.

Conditions:
Polycystic kidney disease 4 (PKD4). Also called: POLYCYSTIC KIDNEY AND HEPATIC DISEASE 1; POLYCYSTIC KIDNEY DISEASE, INFANTILE, TYPE I; PKD3; POLYCYSTIC KIDNEY DISEASE 4 WITH OR WITHOUT POLYCYSTIC LIVER DISEASE; Autosomal Recessive Polycystic Kidney Disease – PKHD1. Identifiers: MedGen C4540575, MONDO:0033004, OMIM 263200.
Autosomal recessive polycystic kidney disease (ARPKD). Also called: AR polycystic kidney disease. Identifiers: Orphanet 731, Orphanet 8378, MedGen C0085548, MeSH D017044, MONDO:0009889.

Submissions (3):

Natera, Inc.
Classification: Likely pathogenic for Autosomal recessive polycystic kidney disease. Last evaluated: 2024-03-18. Review status: criteria provided, single submitter. Criteria: Natera Variant Classification Schema (03/2026). Collection method: clinical testing. Allele origin: germline.
Comment: The c.5783G>A variant in PKHD1 is a nonsense variant predicted to introduce a stop codon at amino acid 1928. This variant is expected to result in nonsense mediated decay, truncation, or a dysfunctional protein product. This variant is rare in the general population with a frequency below the threshold expected for the associated phenotype(s). Given the available evidence, this variant is classified as Likely Pathogenic.

Baylor Genetics
Classification: Likely pathogenic for Polycystic kidney disease 4. Last evaluated: 2024-03-01. Review status: criteria provided, single submitter. Criteria: ACMG Guidelines, 2015. Collection method: clinical testing. Allele origin: unknown.

Labcorp Genetics (formerly Invitae), Labcorp
Classification: Pathogenic for Autosomal recessive polycystic kidney disease. Last evaluated: 2024-02-23. Review status: criteria provided, single submitter. Criteria: Invitae Variant Classification Sherloc (09022015). Collection method: clinical testing. Allele origin: germline.
Comment: This sequence change creates a premature translational stop signal (p.Trp1928*) in the PKHD1 gene. It is expected to result in an absent or disrupted protein product. Loss-of-function variants in PKHD1 are known to be pathogenic (PMID: 19940839). This variant is not present in population databases (gnomAD no frequency). This variant has not been reported in the literature in individuals affected with PKHD1-related conditions. ClinVar contains an entry for this variant (Variation ID: 2036504). For these reasons, this variant has been classified as Pathogenic.

Literature cited by the submitters: PubMed 19940839 (cited by Labcorp Genetics (formerly Invitae), Labcorp).

NM_138694.4(PKHD1):c.5783G>A (p.Trp1928Ter)

Gene: PKHD1 (PKHD1 ciliary IPT domain containing fibrocystin/polyductin; minus strand). Cytogenetic location: 6p12.2.
Variant type: single nucleotide variant.
Coding change: c.5783G>A on transcript NM_138694.4 (MANE Select); coding-DNA position 5783, G replaced by A.
Protein change: p.Trp1928Ter; replaces tryptophan 1928 with a stop codon.
Molecular consequence: nonsense.
Genome position (GRCh38, 1-based): chr6:51,959,995, C>T on the plus strand (G>A on the coding strand, the complement: PKHD1 is on the minus strand). VCF-style: chr6-51959995-C-T. GRCh37 (hg19) VCF-style: chr6-51824793-C-T.
Other names: c.5783G>A (NM_138694.3); c.5783G>A, p.Trp1928Ter (NM_170724.3); short protein forms W1928*.
Identifiers: ClinVar variation 2036504 (VCV002036504.7), dbSNP rs1208103544, ClinGen allele CA364421715.